The following is an entry in ClinVar:

NM_015627.3(LDLRAP1):c.244G>A (p.Gly82Arg)

Gene: LDLRAP1 (low density lipoprotein receptor adaptor protein 1; plus strand). Cytogenetic location: 1p36.11.
Variant type: single nucleotide variant.
Coding change: c.244G>A on transcript NM_015627.3 (MANE Select); coding-DNA position 244, G replaced by A.
Protein change: p.Gly82Arg; replaces glycine 82 with arginine.
Molecular consequence: missense variant.
Genome position (GRCh38, 1-based): chr1:25,554,872, G>A. VCF-style: chr1-25554872-G-A. GRCh37 (hg19) VCF-style: chr1-25881363-G-A.
Other names: short protein forms G82R.
Identifiers: ClinVar variation 2116763 (VCV002116763.4), dbSNP rs764313241, ClinGen allele CA695485.

ClinVar aggregate classification (germline): Uncertain significance (1 of 4 stars; one submission).

Conditions:
Hypercholesterolemia, familial, 4 (FHCL4). Also called: HYPERCHOLESTEROLEMIA, AUTOSOMAL RECESSIVE, 1; HYPERCHOLESTEROLEMIA, AUTOSOMAL RECESSIVE, 2. Identifiers: Orphanet 391665, MedGen C1863512, MONDO:0011374, OMIM 603813.

Allele frequency attached by ClinVar (database versions not stated): gnomAD exomes below 0.00001; ExAC 0.00001; gnomAD 0.00001.
gnomAD v4.1: 7 of 1,613,910 alleles (0.00043%); highest among the groups gnomAD compares: South Asian, 0.0066%; no homozygotes.

Submission:

Labcorp Genetics (formerly Invitae), Labcorp
Classification: Uncertain significance for Hypercholesterolemia, familial, 4. Last evaluated: 2022-03-25. Review status: criteria provided, single submitter. Criteria: Invitae Variant Classification Sherloc (09022015). Collection method: clinical testing. Allele origin: germline.
Comment: This variant is present in population databases (rs764313241, gnomAD 0.007%). This sequence change replaces glycine, which is neutral and non-polar, with arginine, which is basic and polar, at codon 82 of the LDLRAP1 protein (p.Gly82Arg). This variant has not been reported in the literature in individuals affected with LDLRAP1-related conditions. Algorithms developed to predict the effect of missense changes on protein structure and function (SIFT, PolyPhen-2, Align-GVGD) all suggest that this variant is likely to be disruptive. In summary, the available evidence is currently insufficient to determine the role of this variant in disease. Therefore, it has been classified as a Variant of Uncertain Significance.